The following is an entry in ClinVar:

NM_018489.3(ASH1L):c.2940A>G (p.Lys980=)

Gene: ASH1L (ASH1 like histone lysine methyltransferase; minus strand). Cytogenetic location: 1q22.
Variant type: single nucleotide variant.
Coding change: c.2940A>G on transcript NM_018489.3 (MANE Select); coding-DNA position 2940, A replaced by G.
Protein change: p.Lys980=; no amino-acid change (lysine 980 retained).
Molecular consequence: synonymous variant.
Genome position (GRCh38, 1-based): chr1:155,479,930, T>C on the plus strand (A>G on the coding strand, the complement: ASH1L is on the minus strand). VCF-style: chr1-155479930-T-C. GRCh37 (hg19) VCF-style: chr1-155449721-T-C.
Other names: c.2940A>G, p.Lys980= (NM_001366177.2).
Identifiers: ClinVar variation 3037170 (VCV003037170.19), dbSNP rs76262546, ClinGen allele CA1147144.

ClinVar aggregate classification (germline): Benign. Review status: criteria provided, single submitter (1 of 4 stars). 2 submissions from 2 submitters: Benign (1). 1 of the submissions does not count toward it. Last evaluated 2024-06-01.

Conditions:
ASH1L-related disorder. Also called: ASH1L-related condition.

Allele frequency attached by ClinVar (database versions not stated): gnomAD exomes 0.00020; ExAC 0.00066; gnomAD 0.00192; ESP Exome Variant Server 0.00208; TOPMed 0.00225; 1000 Genomes Project 0.00240; 1000 Genomes Project 30x 0.00281.
gnomAD v4.1: 581 of 1,613,716 alleles (0.036%); highest among the groups gnomAD compares: African/African-American, 0.74%; 5 homozygotes.

Submissions (2):

CeGaT Center for Human Genetics Tuebingen
Classification: Benign. Last evaluated: 2024-06-01. Review status: criteria provided, single submitter. Criteria: CeGaT Center For Human Genetics Tuebingen Variant Classification Criteria Version 2. Collection method: clinical testing. Allele origin: germline. Affected: yes. Observed: 1 variant allele.
Comment: ASH1L: BP4, BS1, BS2

PreventionGenetics, part of Exact Sciences
Classification: Benign for ASH1L-related condition. Last evaluated: 2021-12-16. Review status: no assertion criteria provided. Collection method: clinical testing. Allele origin: germline. Not counted in ClinVar's aggregate classification.
Comment: This variant is classified as benign based on ACMG/AMP sequence variant interpretation guidelines (Richards et al. 2015 PMID: 25741868, with internal and published modifications).